The following is an entry in ClinVar:

NM_001206927.2(DNAH8):c.5668G>A (p.Ala1890Thr)

Gene: DNAH8 (dynein axonemal heavy chain 8; plus strand). Cytogenetic location: 6p21.2.
Variant type: single nucleotide variant.
Coding change: c.5668G>A on transcript NM_001206927.2 (MANE Select); coding-DNA position 5668, G replaced by A.
Protein change: p.Ala1890Thr; replaces alanine 1890 with threonine.
Molecular consequence: missense variant.
Genome position (GRCh38, 1-based): chr6:38,853,282, G>A. VCF-style: chr6-38853282-G-A. GRCh37 (hg19) VCF-style: chr6-38821058-G-A.
Other names: c.5017G>A, p.Ala1673Thr (NM_001371.4); short protein forms A1890T, A1673T.
Identifiers: ClinVar variation 574215 (VCV000574215.11), dbSNP rs375461103, ClinGen allele CA3789451.

ClinVar aggregate classification (germline): Uncertain significance. Review status: criteria provided, multiple submitters, no conflicts (2 of 4 stars). 3 submissions from 3 submitters: Uncertain significance (3). Last evaluated 2025-08-12.

Conditions:
DNAH8-related disorder. Also called: DNAH8-related condition.
Primary ciliary dyskinesia. Also called: Ciliary dyskinesia. Identifiers: Orphanet 244, MedGen C0008780, MONDO:0016575, HP:0012265.

Allele frequency attached by ClinVar (database versions not stated): TOPMed 0.00002; gnomAD 0.00004; gnomAD exomes 0.00008; ExAC 0.00012; ESP Exome Variant Server 0.00015.
gnomAD v4.1: 80 of 1,612,782 alleles (0.005%); highest among the groups gnomAD compares: South Asian, 0.045%; no homozygotes.

Submissions (3):

Labcorp Genetics (formerly Invitae), Labcorp
Classification: Uncertain significance for Primary ciliary dyskinesia. Last evaluated: 2025-08-12. Review status: criteria provided, single submitter. Criteria: Invitae Variant Classification Sherloc (09022015). Collection method: clinical testing. Allele origin: germline.
Comment: This sequence change replaces alanine, which is neutral and non-polar, with threonine, which is neutral and polar, at codon 1890 of the DNAH8 protein (p.Ala1890Thr). This variant is present in population databases (rs375461103, gnomAD 0.06%). This variant has not been reported in the literature in individuals affected with DNAH8-related conditions. ClinVar contains an entry for this variant (Variation ID: 574215). Invitae Evidence Modeling of protein sequence and biophysical properties (such as structural, functional, and spatial information, amino acid conservation, physicochemical variation, residue mobility, and thermodynamic stability) indicates that this missense variant is not expected to disrupt DNAH8 protein function with a negative predictive value of 80%. In summary, the available evidence is currently insufficient to determine the role of this variant in disease. Therefore, it has been classified as a Variant of Uncertain Significance.

PreventionGenetics, part of Exact Sciences
Classification: Uncertain significance for DNAH8-related condition. Last evaluated: 2024-10-18. Review status: criteria provided, single submitter. Criteria: ACMG Guidelines, 2015. Collection method: clinical testing. Allele origin: germline.
Comment: The DNAH8 c.5668G>A variant is predicted to result in the amino acid substitution p.Ala1890Thr. To our knowledge, this variant has not been reported in the literature. This variant is reported in 0.056% of alleles in individuals of South Asian descent in gnomAD. At this time, the clinical significance of this variant is uncertain due to the absence of conclusive functional and genetic evidence.

Ambry Genetics
Classification: Uncertain significance. Last evaluated: 2024-10-08. Review status: criteria provided, single submitter. Criteria: Ambry Variant Classification Scheme 2023. Collection method: clinical testing. Allele origin: germline.